The following is an entry in ClinVar:

NM_001083116.3(PRF1):c.46C>T (p.Pro16Ser)

Gene: PRF1 (perforin 1; minus strand). Cytogenetic location: 10q22.1.
Variant type: single nucleotide variant.
Coding change: c.46C>T on transcript NM_001083116.3 (MANE Select); coding-DNA position 46, C replaced by T.
Protein change: p.Pro16Ser; replaces proline 16 with serine.
Molecular consequence: missense variant.
Genome position (GRCh38, 1-based): chr10:70,600,857, G>A on the plus strand (C>T on the coding strand, the complement: PRF1 is on the minus strand). VCF-style: chr10-70600857-G-A. GRCh37 (hg19) VCF-style: chr10-72360613-G-A.
Other names: c.46C>T, p.Pro16Ser (NM_005041.6); c.46C>T (NM_001083116.1); short protein forms P16S.
Identifiers: ClinVar variation 1037362 (VCV001037362.14), dbSNP rs1031606439, ClinGen allele CA209370383.
Genomic context (GRCh38, chr10:70,600,857, plus strand): 5'-TGTGGCTGCGCTTGCACTCTGAGCGTGCGGCTGTGTGGCACGGGGCAGGGACGGGCAGGG[G>A]CAGCAGCAGGAGAAGGATGCCCAGGAGGAGCAGACGGGCTGCCATGGAGCTGCAGAGACA-3'
Protein context (NP_001076585.1, residues 6-26): LLLGILLLLL[Pro16Ser]LPVPAPCHTA

ClinVar aggregate classification (germline): Uncertain significance. Review status: criteria provided, multiple submitters, no conflicts (2 of 4 stars). 5 submissions from 5 submitters: Uncertain significance (4). 1 of the submissions does not count toward it. Last evaluated 2026-02-25.

Conditions:
Familial hemophagocytic lymphohistiocytosis 2 (FHL2). Also called: PRF1-Related Familial Hemophagocytic Lymphohistiocytosis (PRF1-fHLH). Identifiers: Orphanet 540, MedGen C1863727, MONDO:0011337, OMIM 603553.
PRF1-related disorder. Also called: PRF1-related condition.

Allele frequency attached by ClinVar (database versions not stated): gnomAD exomes below 0.00001; TOPMed 0.00001.
gnomAD v4.1: 2 of 1,608,224 alleles (0.00012%); highest among the groups gnomAD compares: East Asian, 0.0045%; no homozygotes.

Submissions (5):

Myriad Genetics, Inc.
Classification: Uncertain significance for Familial hemophagocytic lymphohistiocytosis 2. Last evaluated: 2026-02-25. Review status: criteria provided, single submitter. Criteria: Myriad Autosomal Dominant, Autosomal Recessive and X-Linked Classification Criteria (2023). Collection method: clinical testing. Allele origin: unknown.
Comment: NM_001083116.1(PRF1):c.46C>T(P16S) is a missense variant classified as a variant of uncertain significance in the context of familial hemophagocytic lymphohistiocytosis, PRF1-related. P16S has been observed in cases with relevant disease (PMID: 29357941, 33258288). Relevant functional assessments of this variant are not available in the literature. P16S has been observed in referenced population frequency databases. In summary, there is insufficient evidence to classify NM_001083116.1(PRF1):c.46C>T(P16S) as pathogenic or benign. Please note: this variant was assessed in the context of healthy population screening.

Women's Health and Genetics/Laboratory Corporation of America, LabCorp
Classification: Uncertain significance. Last evaluated: 2024-06-04. Review status: criteria provided, single submitter. Criteria: LabCorp Variant Classification Summary - May 2015. Collection method: clinical testing. Allele origin: germline.
Comment: Variant summary: PRF1 c.46C>T (p.Pro16Ser) results in a non-conservative amino acid change in the encoded protein sequence. Four of five in-silico tools predict a damaging effect of the variant on protein function. The variant allele was found at a frequency of 4.4e-06 in 229564 control chromosomes (gnomAD). c.46C>T has been reported in the literature in individuals affected with familial hemophagocytic lymphohistiocytosis (example: Jin_2018. Costa Quaio_2020). These data indicate that the variant may be associated with disease. To our knowledge, no experimental evidence demonstrating an impact on protein function has been reported. The following publications have been ascertained in the context of this evaluation (PMID: 33258288, 29357941). ClinVar contains an entry for this variant (Variation ID: 1037362). Based on the evidence outlined above, the variant was classified as VUS-possibly pathogenic.

Labcorp Genetics (formerly Invitae), Labcorp
Classification: Uncertain significance for Familial hemophagocytic lymphohistiocytosis 2. Last evaluated: 2023-11-27. Review status: criteria provided, single submitter. Criteria: Invitae Variant Classification Sherloc (09022015). Collection method: clinical testing. Allele origin: germline.
Comment: This sequence change replaces proline, which is neutral and non-polar, with serine, which is neutral and polar, at codon 16 of the PRF1 protein (p.Pro16Ser). The frequency data for this variant in the population databases is considered unreliable, as metrics indicate poor data quality at this position in the gnomAD database. This missense change has been observed in individual(s) with PRF1-related conditions (PMID: 29357941, 33258288). ClinVar contains an entry for this variant (Variation ID: 1037362). Advanced modeling of protein sequence and biophysical properties (such as structural, functional, and spatial information, amino acid conservation, physicochemical variation, residue mobility, and thermodynamic stability) has been performed at Invitae for this missense variant, however the output from this modeling did not meet the statistical confidence thresholds required to predict the impact of this variant on PRF1 protein function. In summary, the available evidence is currently insufficient to determine the role of this variant in disease. Therefore, it has been classified as a Variant of Uncertain Significance.

Laboratorio de Genetica e Diagnostico Molecular, Hospital Israelita Albert Einstein
Classification: Uncertain significance. Last evaluated: 2020-01-22. Review status: criteria provided, single submitter. Criteria: ACMG Guidelines, 2015. Collection method: clinical testing. Allele origin: germline. Affected: yes.
Comment: ACMG classification criteria: PM2

PreventionGenetics, part of Exact Sciences
Classification: Uncertain significance for PRF1-related condition. Last evaluated: 2024-01-03. Review status: no assertion criteria provided. Collection method: clinical testing. Allele origin: germline. Not counted in ClinVar's aggregate classification.
Comment: The PRF1 c.46C>T variant is predicted to result in the amino acid substitution p.Pro16Ser. This variant, along with a second PRF1 variant, has been reported in the heterozygous state in an individual with adult-onset hemophagocytic lymphohistiocytosis (Jin et al. 2018. PubMed ID: 29357941) and in the homozygous state in an individual with immune/hematologic disease (Supplemental, Patient #320, Quaio et al. 2020. PubMed ID: 33258288). This variant is reported in 0.0058% of alleles in individuals of East Asian descent in gnomAD. At this time, the clinical significance of this variant is uncertain due to the absence of conclusive functional and genetic evidence.

Literature cited by the submitters: PubMed 29357941 (cited by 3 submitters); PubMed 33258288 (cited by 3 submitters).